The following is an entry in ClinVar:

ClinVar aggregate classification (germline): Likely benign. Review status: criteria provided, multiple submitters, no conflicts (2 of 4 stars). 2 submissions from 2 submitters: Likely benign (2). Last evaluated 2025-09-28.

Allele frequency attached by ClinVar (database versions not stated): ExAC 0.00015; gnomAD 0.00052; 1000 Genomes Project 30x 0.00094; 1000 Genomes Project 0.00100.

Submissions (2):

Labcorp Genetics (formerly Invitae), Labcorp
Classification: Likely benign. Last evaluated: 2025-09-28. Review status: criteria provided, single submitter. Criteria: Invitae Variant Classification Sherloc (09022015). Collection method: clinical testing. Allele origin: germline.

CeGaT Center for Human Genetics Tuebingen
Classification: Likely benign. Last evaluated: 2023-02-01. Review status: criteria provided, single submitter. Criteria: CeGaT Center For Human Genetics Tuebingen Variant Classification Criteria Version 2. Collection method: clinical testing. Allele origin: germline. Affected: yes. Observed: 1 variant allele.
Comment: TNK2: BP4, BP7

NM_001382273.1(TNK2):c.-18-6805C>T

Gene: TNK2 (tyrosine kinase non receptor 2; minus strand). Cytogenetic location: 3q29.
Variant type: single nucleotide variant.
Coding change: c.-18-6805C>T on transcript NM_001382273.1 (MANE Select); 6805 bases into the intron before 18 bases upstream of the start codon, C replaced by T.
Molecular consequence: intron variant.
Genome position (GRCh38, 1-based): chr3:195,895,411, G>A on the plus strand (C>T on the coding strand, the complement: TNK2 is on the minus strand). VCF-style: chr3-195895411-G-A. GRCh37 (hg19) VCF-style: chr3-195622282-G-A.
Other names: c.-18-6805C>T (NM_001387720.1, NM_005781.5, NM_001386164.1 and 1 more transcripts); c.-19+1756C>T (NM_001387714.1); c.-19+1332C>T (NM_001387711.1); c.-19+642C>T (NM_001387721.1, NM_001387710.1); c.-19+484C>T (NM_001387719.1, NM_001387713.1, NM_001387712.1 and 2 more transcripts).
Identifiers: ClinVar variation 2654506 (VCV002654506.25), dbSNP rs200273010, ClinGen allele CA2777153.